The following is an entry in ClinVar:

NM_032806.6(POMGNT2):c.839C>G (p.Thr280Arg)

Gene: POMGNT2 (protein O-linked mannose N-acetylglucosaminyltransferase 2 (beta 1,4-); minus strand). Cytogenetic location: 3p22.1.
Variant type: single nucleotide variant.
Coding change: c.839C>G on transcript NM_032806.6 (MANE Select); coding-DNA position 839, C replaced by G.
Protein change: p.Thr280Arg; replaces threonine 280 with arginine.
Molecular consequence: missense variant.
Genome position (GRCh38, 1-based): chr3:43,080,593, G>C on the plus strand (C>G on the coding strand, the complement: POMGNT2 is on the minus strand). VCF-style: chr3-43080593-G-C. GRCh37 (hg19) VCF-style: chr3-43122085-G-C.
Other names: short protein forms T280R.
Identifiers: ClinVar variation 654410 (VCV000654410.1), dbSNP rs1575462305, ClinGen allele CA352302393.

ClinVar aggregate classification (germline): Uncertain significance (1 of 4 stars; one submission).

Conditions:
Muscular dystrophy-dystroglycanopathy (congenital with brain and eye anomalies), type a, 8 (MDDGA8). Also called: WALKER-WARBURG SYNDROME OR MUSCLE-EYE-BRAIN DISEASE, GTDC2-RELATED. Identifiers: Orphanet 899, MedGen C3553813, MONDO:0013904, OMIM 614830.

Submission:

Labcorp Genetics (formerly Invitae), Labcorp
Classification: Uncertain significance for Muscular dystrophy-dystroglycanopathy (congenital with brain and eye anomalies), type a, 8. Last evaluated: 2018-08-09. Review status: criteria provided, single submitter. Criteria: Invitae Variant Classification Sherloc (09022015). Collection method: clinical testing. Allele origin: germline.
Comment: This sequence change replaces threonine with arginine at codon 280 of the POMGNT2 protein (p.Thr280Arg). The threonine residue is weakly conserved and there is a moderate physicochemical difference between threonine and arginine. This variant is not present in population databases (ExAC no frequency). This variant has not been reported in the literature in individuals with POMGNT2-related disease. Algorithms developed to predict the effect of missense changes on protein structure and function (SIFT, PolyPhen-2, Align-GVGD) all suggest that this variant is likely to be tolerated, but these predictions have not been confirmed by published functional studies and their clinical significance is uncertain. In summary, the available evidence is currently insufficient to determine the role of this variant in disease. Therefore, it has been classified as a Variant of Uncertain Significance.